The following is an entry in ClinVar:

NM_000260.4(MYO7A):c.314T>G (p.Val105Gly)

Gene: MYO7A (myosin VIIA; plus strand). Cytogenetic location: 11q13.5.
Variant type: single nucleotide variant.
Coding change: c.314T>G on transcript NM_000260.4 (MANE Select); coding-DNA position 314, T replaced by G.
Protein change: p.Val105Gly; replaces valine 105 with glycine.
Molecular consequence: missense variant.
Genome position (GRCh38, 1-based): chr11:77,155,935, T>G. VCF-style: chr11-77155935-T-G. GRCh37 (hg19) VCF-style: chr11-76866981-T-G.
Other names: c.314T>G, p.Val105Gly (NM_001127180.2); c.281T>G, p.Val94Gly (NM_001369365.1); short protein forms V105G, V94G.
Identifiers: ClinVar variation 228281 (VCV000228281.4), dbSNP rs876657654, ClinGen allele CA10577199.

ClinVar aggregate classification (germline): Likely pathogenic (1 of 4 stars; one submission).

Conditions:
Rare genetic deafness. Identifiers: Orphanet 96210, MedGen C5680250.

Submission:

Laboratory for Molecular Medicine, Mass General Brigham Personalized Medicine
Classification: Likely pathogenic for Rare genetic deafness. Last evaluated: 2015-08-20. Review status: criteria provided, single submitter. Criteria: LMM Criteria. Collection method: clinical testing. Allele origin: germline. Inheritance: Autosomal recessive inheritance. Observed: 3 variant alleles.
Comment: The p.Val105Gly variant in MYO7A has not been previously reported in the literat ure and was absent from large population studies. Computational prediction tools and conservation analysis suggest that this variant may impact the protein. The presence of this variant in trans with a likely pathogenic variant in an indivi dual with hearing loss and vision changes and the segregation in an affected sib ling increases the likelihood that the p.Val105Gly variant is pathogenic. In sum mary, although additional studies are required to fully establish its clinical s ignificance, this variant is likely pathogenic.